The following is an entry in ClinVar:

NM_145207.3(AFG2A):c.1900A>G (p.Ser634Gly)

Gene: AFG2A (AAA ATPase AFG2A; plus strand). Cytogenetic location: 4q28.1.
Variant type: single nucleotide variant.
Coding change: c.1900A>G on transcript NM_145207.3 (MANE Select); coding-DNA position 1900, A replaced by G.
Protein change: p.Ser634Gly; replaces serine 634 with glycine.
Molecular consequence: missense variant.
Genome position (GRCh38, 1-based): chr4:123,028,216, A>G. VCF-style: chr4-123028216-A-G. GRCh37 (hg19) VCF-style: chr4-123949371-A-G.
Other names: c.1897A>G, p.Ser633Gly (NM_001317799.2, NM_001345856.2); short protein forms S634G, S633G.
Identifiers: ClinVar variation 1393513 (VCV001393513.6), dbSNP rs778940152, ClinGen allele CA3070579.

ClinVar aggregate classification (germline): Uncertain significance (1 of 4 stars; one submission).

Conditions:
Microcephaly-intellectual disability-sensorineural hearing loss-epilepsy-abnormal muscle tone syndrome (NEDHSB). Also called: NEURODEVELOPMENTAL DISORDER WITH HEARING LOSS, SEIZURES, AND BRAIN ABNORMALITIES. Identifiers: Orphanet 457351, MedGen C4225276, MONDO:0014698, OMIM 616577.

Allele frequency attached by ClinVar (database versions not stated): TOPMed below 0.00001; ExAC 0.00001; gnomAD 0.00001; gnomAD exomes 0.00001.
gnomAD v4.1: 8 of 1,614,034 alleles (0.0005%); highest among the groups gnomAD compares: Non-Finnish European, 0.00068%; no homozygotes.

Submissions (2):

Labcorp Genetics (formerly Invitae), Labcorp
Classification: Uncertain significance for Microcephaly-intellectual disability-sensorineural hearing loss-epilepsy-abnormal muscle tone syndrome. Last evaluated: 2022-09-12. Review status: criteria provided, single submitter. Criteria: Invitae Variant Classification Sherloc (09022015). Collection method: clinical testing. Allele origin: germline.
Comment: In summary, the available evidence is currently insufficient to determine the role of this variant in disease. Therefore, it has been classified as a Variant of Uncertain Significance. Advanced modeling of protein sequence and biophysical properties (such as structural, functional, and spatial information, amino acid conservation, physicochemical variation, residue mobility, and thermodynamic stability) performed at Invitae indicates that this missense variant is not expected to disrupt SPATA5 protein function. ClinVar contains an entry for this variant (Variation ID: 1393513). This variant has not been reported in the literature in individuals affected with SPATA5-related conditions. This variant is present in population databases (rs778940152, gnomAD 0.002%). This sequence change replaces serine, which is neutral and polar, with glycine, which is neutral and non-polar, at codon 634 of the SPATA5 protein (p.Ser634Gly).

Dr. Peter K. Rogan Lab, Western University
No classification provided (evidence only). Condition: Sarcoma. Review status: no classification provided. Collection method: in vitro. Allele origin: not applicable. Functional consequence: retained intron. Not counted in ClinVar's aggregate classification.